The following is an entry in ClinVar:

ClinVar aggregate classification (germline): Conflicting classifications of pathogenicity. Review status: criteria provided, conflicting classifications (1 of 4 stars). 13 submissions from 13 submitters: Uncertain significance (4); Likely benign (7). 2 of the submissions do not count toward it. Last evaluated 2026-01-25.

Conditions:
APC-related disorder. Also called: APC-related condition.
Classic or attenuated familial adenomatous polyposis. Identifiers: MedGen CN372698, MONDO:0021057.
Hereditary cancer-predisposing syndrome. Also called: Hereditary neoplastic syndrome; Neoplastic Syndromes, Hereditary; Tumor predisposition; Hereditary Cancer Syndrome. Identifiers: Orphanet 140162, MedGen C0027672, MeSH D009386, MONDO:0015356.
Familial adenomatous polyposis 1 (FAP1). Also called: FAMILIAL ADENOMATOUS POLYPOSIS 1, ATTENUATED; POLYPOSIS, ADENOMATOUS INTESTINAL. Identifiers: MedGen C2713442, MONDO:0021056, OMIM 175100. Disease mechanism: loss of function.

Allele frequency attached by ClinVar (database versions not stated): gnomAD 0.00005 and 0.00006; TOPMed 0.00010; gnomAD exomes 0.00014; ExAC 0.00018.
gnomAD v4.1: 83 of 1,613,304 alleles (0.0051%); highest among the groups gnomAD compares: Admixed American, 0.045%; no homozygotes.

Submissions (13):

Labcorp Genetics (formerly Invitae), Labcorp
Classification: Likely benign for Familial adenomatous polyposis 1. Last evaluated: 2026-01-25. Review status: criteria provided, single submitter. Criteria: Invitae Variant Classification Sherloc (09022015). Collection method: clinical testing. Allele origin: germline.

Color Diagnostics, LLC DBA Color Health
Classification: Likely benign for Hereditary cancer-predisposing syndrome. Last evaluated: 2024-01-03. Review status: criteria provided, single submitter. Criteria: ACMG Guidelines, 2015. Collection method: clinical testing. Allele origin: germline.

All of Us Research Program, National Institutes of Health
Classification: Uncertain significance for Classic or attenuated familial adenomatous polyposis. Last evaluated: 2023-12-18. Review status: criteria provided, single submitter. Criteria: ACMG Guidelines, 2015. Collection method: clinical testing. Allele origin: germline. Inheritance: Autosomal dominant inheritance. Observed: 17 variant alleles, 17 heterozygotes.
Comment: This missense variant replaces arginine with histidine at codon 2525 of the APC protein. Computational prediction is inconclusive regarding the impact of this variant on protein structure and function (internally defined REVEL score threshold 0.5 < inconclusive < 0.7, PMID: 27666373). Splice site prediction tools suggest that this variant may not impact RNA splicing. To our knowledge, functional studies have not been performed for this variant. This variant has been reported in individuals affected with endometrial cancer (PMID: 27443514) and pancreatic cancer (PMID: 25479140, 32980694). This variant has also been identified in 40/282210 chromosomes in the general population by the Genome Aggregation Database (gnomAD) and in healthy controls (PMID: 32980694). The available evidence is insufficient to determine the role of this variant in disease conclusively. Therefore, this variant is classified as a Variant of Uncertain Significance.

This study involves interpretation of variants in research participants for the purpose of population health screening. Participant phenotype was not available at the time of variant classification. Additional details can be found in publication PMID: 35346344, PMCID: PMC8962531

Women's Health and Genetics/Laboratory Corporation of America, LabCorp
Classification: Likely benign. Last evaluated: 2023-12-11. Review status: criteria provided, single submitter. Criteria: LabCorp Variant Classification Summary - May 2015. Collection method: clinical testing. Allele origin: germline.
Comment: Variant summary: APC c.7574G>A (p.Arg2525His) results in a non-conservative amino acid change located in the Adenomatous polyposis coli protein basic domain (IPR009234) of the encoded protein sequence. Five of five in-silico tools predict a damaging effect of the variant on protein function. The variant allele was found at a frequency of 0.00014 in 250814 control chromosomes. The observed variant frequency is approximately 2 fold of the estimated maximal expected allele frequency for a pathogenic variant in APC causing Familial Adenomatous Polyposis phenotype (7.1e-05), strongly suggesting that the variant is benign. c.7574G>A has been reported in the literature as a VUS in settings of multigene cancer panel testing in affected individuals with cancers such as endometrial, hereditary breast and/or ovarian cancers (example, Ring_2016, Schubert_2019, Okawa_2023). These report(s) do not provide unequivocal conclusions about association of the variant with Familial Adenomatous Polyposis. To our knowledge, no experimental evidence demonstrating an impact on protein function has been reported. The following publications have been ascertained in the context of this evaluation (PMID: 36243179, 27443514, 30426508). Eight submitters have cited clinical-significance assessments for this variant to ClinVar after 2014. Multiple submitters reported the variant with conflicting assessments (likely benign, n=5; VUS, n=3). Based on the evidence outlined above, the variant was classified as likely benign.

Myriad Genetics, Inc.
Classification: Likely benign for Familial adenomatous polyposis 1. Last evaluated: 2023-02-16. Review status: criteria provided, single submitter. Criteria: Myriad Autosomal Dominant, Autosomal Recessive and X-Linked Classification Criteria (2023). Collection method: clinical testing. Allele origin: unknown.
Comment: This variant is considered likely benign. This variant has been observed at a population frequency that is significantly greater than expected given the associated disease prevalence and penetrance.

Institute for Genomic Medicine (IGM) Clinical Laboratory, Nationwide Children's Hospital
Classification: Uncertain significance for Familial adenomatous polyposis 1. Last evaluated: 2022-08-11. Review status: criteria provided, single submitter. Criteria: ACMG Guidelines, 2015. Collection method: clinical testing. Allele origin: germline.
Comment: This variant has been reported at an elevated frequency in affected individuals/in multiple affected individuals in the literature (ACMG/AMP: PS4_Supporting; PMID:29050249). This variant is predicted to alter protein function or structure, or disrupt splicing by multiple in silico tools (ACMG/AMP: PP3). This variant results in a missense alteration in a gene for which primarily truncating variants are known to cause disease (ACMG/AMP: BP1).

Sema4
Classification: Uncertain significance for Hereditary cancer-predisposing syndrome. Last evaluated: 2021-07-03. Review status: criteria provided, single submitter. Criteria: Sema4 Curation Guidelines. Collection method: curation. Allele origin: germline.
Comment: The APC c.7574G>A (p.R2525H) variant has been reported in heterozygosity in at least two individuals with pancreatic cancer and one with endometrial cancer (PMID: 25479140, 32980694, 27443514). It was observed in 22/35420 chromosomes of the Latino subpopulation, with no homozygotes, in the large and broad cohorts of the Genome Aggregation Database. The variant has been reported in ClinVar (Variation ID 184763). In silico tools suggest the impact of the variant on protein function is inconclusive, though these predictions have not been confirmed by functional studies. The evidence is insufficient to meet ACMG/AMP criteria for classifying the variant as benign or pathogenic. Thus, the clinical significance of this variant is currently uncertain.

Ambry Genetics
Classification: Likely benign for Hereditary cancer-predisposing syndrome. Last evaluated: 2020-09-14. Review status: criteria provided, single submitter. Criteria: Ambry Variant Classification Scheme 2023. Collection method: clinical testing. Allele origin: germline.

Quest Diagnostics Nichols Institute San Juan Capistrano
Classification: Likely benign. Last evaluated: 2019-11-20. Review status: criteria provided, single submitter. Criteria: Quest Diagnostics criteria. Collection method: clinical testing. Allele origin: unknown.

GeneDx
Classification: Likely benign. Last evaluated: 2019-11-05. Review status: criteria provided, single submitter. Criteria: GeneDx Variant Classification Process June 2021. Collection method: clinical testing. Allele origin: germline. Affected: yes.
Comment: This variant is associated with the following publications: (PMID: 27443514, 25479140, 29684080)

Department of Pathology and Laboratory Medicine, Sinai Health System
Classification: Uncertain significance for classic or attenuated familial adenomatous polyposis. Last evaluated: 2019-10-24. Review status: criteria provided, single submitter. Criteria: ACMG Guidelines, 2015. Collection method: clinical testing. Allele origin: germline. Affected: yes.

PreventionGenetics, part of Exact Sciences
Classification: Likely benign for APC-related condition. Last evaluated: 2022-09-13. Review status: no assertion criteria provided. Collection method: clinical testing. Allele origin: germline. Not counted in ClinVar's aggregate classification.
Comment: This variant is classified as likely benign based on ACMG/AMP sequence variant interpretation guidelines (Richards et al. 2015 PMID: 25741868, with internal and published modifications).

Counsyl
Classification: Uncertain significance for Familial adenomatous polyposis 1. Last evaluated: 2016-03-24. Review status: no assertion criteria provided. Collection method: clinical testing. Allele origin: unknown. Not counted in ClinVar's aggregate classification.

Literature cited by the submitters: PubMed 25479140 (cited by 4 submitters); PubMed 27443514 (cited by 6 submitters); PubMed 32980694 (cited by All of Us Research Program, National Institutes of Health and Sema4); PubMed 30426508 (cited by Women's Health and Genetics/Laboratory Corporation of America, LabCorp); PubMed 36243179 (cited by Women's Health and Genetics/Laboratory Corporation of America, LabCorp); PubMed 29050249 (cited by Institute for Genomic Medicine (IGM) Clinical Laboratory, Nationwide Children's Hospital); PubMed 32251017 (cited by Ambry Genetics).

NM_000038.6(APC):c.7574G>A (p.Arg2525His)

Gene: APC (APC regulator of Wnt signaling pathway; plus strand). Cytogenetic location: 5q22.2.
Variant type: single nucleotide variant.
Coding change: c.7574G>A on transcript NM_000038.6 (MANE Select); coding-DNA position 7574, G replaced by A.
Protein change: p.Arg2525His; replaces arginine 2525 with histidine.
Molecular consequence: missense variant.
Genome position (GRCh38, 1-based): chr5:112,843,168, G>A. VCF-style: chr5-112843168-G-A. GRCh37 (hg19) VCF-style: chr5-112178865-G-A.
Other names: c.7271G>A, p.Arg2424His (NM_001354903.2); c.7196G>A, p.Arg2399His (NM_001354904.2); c.7094G>A, p.Arg2365His (NM_001354905.2); c.6725G>A, p.Arg2242His (NM_001354906.2); c.7574G>A, p.Arg2525His (NM_001127510.3, NM_001354895.2); c.7520G>A, p.Arg2507His (NM_001127511.3); c.7628G>A, p.Arg2543His (NM_001354896.2); c.7604G>A, p.Arg2535His (NM_001354897.2); and 5 more; short protein forms R2507H, R2525H, R2434H, R2399H, R2424H, R2500H, R2365H, R2484H.
Identifiers: ClinVar variation 184763 (VCV000184763.34), dbSNP rs762034315, ClinGen allele CA013862.